The following is an entry in ClinVar:

NM_000090.4(COL3A1):c.1222G>A (p.Gly408Arg)

Gene: COL3A1 (collagen type III alpha 1 chain; plus strand). Cytogenetic location: 2q32.2.
Variant type: single nucleotide variant.
Coding change: c.1222G>A on transcript NM_000090.4 (MANE Select); coding-DNA position 1222, G replaced by A.
Protein change: p.Gly408Arg; replaces glycine 408 with arginine.
Molecular consequence: missense variant.
Genome position (GRCh38, 1-based): chr2:188,994,261, G>A. VCF-style: chr2-188994261-G-A. GRCh37 (hg19) VCF-style: chr2-189858987-G-A.
Other names: short protein forms G408R.
Identifiers: ClinVar variation 420551 (VCV000420551.2), dbSNP rs1064794552, ClinGen allele CA16617390.

ClinVar aggregate classification (germline): Pathogenic (1 of 4 stars; one submission).

Submission:

GeneDx
Classification: Pathogenic. Last evaluated: 2018-03-14. Review status: criteria provided, single submitter. Criteria: GeneDx Variant Classification (06012015). Collection method: clinical testing. Allele origin: germline. Affected: yes.
Comment: Although the G408R pathogenic variant in the COL3A1 gene has not been published as pathogenic to our knowledge, this variant affects a Glycine residue in a Gly-X-Y motif in the triple helical region of the COL3A1 gene, where the majority of pathogenic missense variants occur (Stenson et al., 2014; Symoens et al., 2012). In addition, other missense variants in nearby residues (G396V, G411R) have been reported in the Human Gene Mutation Database in association with vascular Ehlers-Danlos syndrome (Pepin et al., 2014; Stenson et al., 2014; Frank et al., 2015), further supporting the functional importance of this region of the protein. The G408R variant is a non-conservative amino acid substitution, which is likely to impact secondary protein structure as these residues differ in polarity, charge, size and/or other properties. In-silico analyses, including protein predictors and evolutionary conservation, support a deleterious effect. Furthermore, this variant has segregated with a vEDS phenotype in a family tested at GeneDx. Finally, the G408R variant is not observed in large population cohorts (Lek et al., 2016). In summary, G408R in the COL3A1 gene is interpreted as a pathogenic variant.